The following is an entry in ClinVar:

NM_153816.6(SNX14):c.1074C>T (p.Gly358=)

Gene: SNX14 (sorting nexin 14; minus strand). Cytogenetic location: 6q14.3.
Variant type: single nucleotide variant.
Coding change: c.1074C>T on transcript NM_153816.6 (MANE Select); coding-DNA position 1074, C replaced by T.
Protein change: p.Gly358=; no amino-acid change (glycine 358 retained).
Molecular consequence: synonymous variant. On other transcripts: 5 prime UTR variant (6), non-coding transcript variant (6).
Genome position (GRCh38, 1-based): chr6:85,547,146, G>A on the plus strand (C>T on the coding strand, the complement: SNX14 is on the minus strand). VCF-style: chr6-85547146-G-A. GRCh37 (hg19) VCF-style: chr6-86256864-G-A.
Other names: p.Gly358=; c.1074C>T, p.Gly358= (NM_001297614.3, NM_001350540.2, NM_001350541.2); c.918C>T, p.Gly306= (NM_001304479.2); c.1137C>T, p.Gly379= (NM_001350532.2); c.1071C>T, p.Gly357= (NM_001350533.2, NM_001350534.2, NM_001350535.2); c.942C>T, p.Gly314= (NM_001350536.2, NM_020468.6); c.939C>T, p.Gly313= (NM_001350537.2); c.930C>T, p.Gly310= (NM_001350538.2); and 8 more.
Identifiers: ClinVar variation 721743 (VCV000721743.50), dbSNP rs41271627, ClinGen allele CA3912231.
Genomic context (GRCh38, chr6:85,547,146, plus strand): 5'-TCGTAAAATACACAGGTAAGCCTCACCCACAGTCAAACAAAACTGCAACACGTGCACTGC[G>A]CCTTCTTGTTTCAGAAAGTTCATAAAACGAAATAAAAGATCTTGTTGCTCTCTGATTTGC-3'
Protein context (NP_722523.1, residues 348-368): FRFMNFLKQE[Gly358=]AVHVLQFCLT

ClinVar aggregate classification (germline): Conflicting classifications of pathogenicity. Review status: criteria provided, conflicting classifications (1 of 4 stars). 6 submissions from 6 submitters: Uncertain significance (2); Likely benign (3). 1 of the submissions does not count toward it. Last evaluated 2026-01-15.

Conditions:
SNX14-related disorder. Also called: SNX14-related condition.

Allele frequency attached by ClinVar (database versions not stated): 1000 Genomes Project 0.00060; 1000 Genomes Project 30x 0.00078; TOPMed 0.00102; gnomAD 0.00105; ESP Exome Variant Server 0.00108.
gnomAD v4.1: 2,812 of 1,613,878 alleles (0.17%); highest among the groups gnomAD compares: Non-Finnish European, 0.22%; 4 homozygotes.

Submissions (10):

Labcorp Genetics (formerly Invitae), Labcorp
Classification: Likely benign. Last evaluated: 2026-01-15. Review status: criteria provided, single submitter. Criteria: Invitae Variant Classification Sherloc (09022015). Collection method: clinical testing. Allele origin: germline.

Mayo Clinic Laboratories, Mayo Clinic
Classification: Uncertain significance. Last evaluated: 2025-07-29. Review status: criteria provided, single submitter. Criteria: ACMG Guidelines, 2015. Collection method: clinical testing. Allele origin: germline. Observed: 2 variant alleles.
Comment: BS1

Blueprint Genetics
Classification: Likely benign. Last evaluated: 2024-11-11. Review status: criteria provided, single submitter. Criteria: ACMG Guidelines, 2015. Collection method: clinical testing. Allele origin: germline.

CeGaT Center for Human Genetics Tuebingen
Classification: Likely benign. Last evaluated: 2024-01-01. Review status: criteria provided, single submitter. Criteria: CeGaT Center For Human Genetics Tuebingen Variant Classification Criteria Version 2. Collection method: clinical testing. Allele origin: germline. Affected: yes. Observed: 2 variant alleles.
Comment: SNX14: BP7, BS2

GeneDx
Classification: Uncertain significance. Last evaluated: 2022-01-12. Review status: criteria provided, single submitter. Criteria: GeneDx Variant Classification Process June 2021. Collection method: clinical testing. Allele origin: germline. Affected: yes.
Comment: This variant is associated with the following publications: (PMID: 31687339)

PreventionGenetics, part of Exact Sciences
Classification: Likely benign for SNX14-related condition. Last evaluated: 2022-06-17. Review status: no assertion criteria provided. Collection method: clinical testing. Allele origin: germline. Not counted in ClinVar's aggregate classification.
Comment: This variant is classified as likely benign based on ACMG/AMP sequence variant interpretation guidelines (Richards et al. 2015 PMID: 25741868, with internal and published modifications).

Dr. Peter K. Rogan Lab, Western University
No classification provided (evidence only). Condition: Lung cancer. Review status: no classification provided. Collection method: in vitro. Allele origin: not applicable. Functional consequence: retained intron. Not counted in ClinVar's aggregate classification.

Dr. Peter K. Rogan Lab, Western University
No classification provided (evidence only). Condition: Thyroid cancer, nonmedullary, 1. Review status: no classification provided. Collection method: in vitro. Allele origin: not applicable. Functional consequence: retained intron. Not counted in ClinVar's aggregate classification.

Dr. Peter K. Rogan Lab, Western University
No classification provided (evidence only). Condition: Nonpapillary renal cell carcinoma. Review status: no classification provided. Collection method: in vitro. Allele origin: not applicable. Functional consequence: retained intron. Not counted in ClinVar's aggregate classification.

Dr. Peter K. Rogan Lab, Western University
No classification provided (evidence only). Condition: Ovarian serous cystadenocarcinoma. Review status: no classification provided. Collection method: in vitro. Allele origin: not applicable. Functional consequence: retained intron. Not counted in ClinVar's aggregate classification.

Literature cited by the submitters: PubMed 31687339 (cited by Mayo Clinic Laboratories, Mayo Clinic).